The following is an entry in ClinVar:

NM_001849.4(COL6A2):c.2224C>T (p.Leu742Phe)

Gene: COL6A2 (collagen type VI alpha 2 chain; plus strand). Cytogenetic location: 21q22.3.
Variant type: single nucleotide variant.
Coding change: c.2224C>T on transcript NM_001849.4 (MANE Select); coding-DNA position 2224, C replaced by T.
Protein change: p.Leu742Phe; replaces leucine 742 with phenylalanine.
Molecular consequence: missense variant.
Genome position (GRCh38, 1-based): chr21:46,126,039, C>T. VCF-style: chr21-46126039-C-T. GRCh37 (hg19) VCF-style: chr21-47545953-C-T.
Other names: c.2224C>T, p.Leu742Phe (NM_058174.3, NM_058175.3); short protein forms L742F.
Identifiers: ClinVar variation 2889167 (VCV002889167.4), dbSNP rs771256979, ClinGen allele CA321972736.

ClinVar aggregate classification (germline): Uncertain significance. Review status: criteria provided, multiple submitters, no conflicts (2 of 4 stars). 2 submissions from 2 submitters: Uncertain significance (2). Last evaluated 2025-04-01.

Conditions:
Inborn genetic diseases. Identifiers: MedGen C0950123, MeSH D030342.
Bethlem myopathy 1A. Also called: Bethlem myopathy 1; MYOPATHY, BENIGN CONGENITAL, WITH CONTRACTURES; Bethlem Muscular Dystrophy. Identifiers: Orphanet 610, MedGen CN029274, MONDO:0024530, OMIM 158810.

Allele frequency attached by ClinVar (database versions not stated): gnomAD 0.00001; TOPMed 0.00002.
gnomAD v4.1: 5 of 1,612,976 alleles (0.00031%); highest among the groups gnomAD compares: South Asian, 0.0011%; no homozygotes.

Submissions (2):

Ambry Genetics
Classification: Uncertain significance for Inborn genetic diseases. Last evaluated: 2025-04-01. Review status: criteria provided, single submitter. Criteria: Ambry Variant Classification Scheme 2023. Collection method: clinical testing. Allele origin: germline.

Labcorp Genetics (formerly Invitae), Labcorp
Classification: Uncertain significance for Bethlem myopathy 1A. Last evaluated: 2023-07-16. Review status: criteria provided, single submitter. Criteria: Invitae Variant Classification Sherloc (09022015). Collection method: clinical testing. Allele origin: germline.
Comment: In summary, the available evidence is currently insufficient to determine the role of this variant in disease. Therefore, it has been classified as a Variant of Uncertain Significance. Advanced modeling of protein sequence and biophysical properties (such as structural, functional, and spatial information, amino acid conservation, physicochemical variation, residue mobility, and thermodynamic stability) performed at Invitae indicates that this missense variant is not expected to disrupt COL6A2 protein function. This variant has not been reported in the literature in individuals affected with COL6A2-related conditions. This variant is present in population databases (no rsID available, gnomAD 0.003%). This sequence change replaces leucine, which is neutral and non-polar, with phenylalanine, which is neutral and non-polar, at codon 742 of the COL6A2 protein (p.Leu742Phe).